The following is an entry in ClinVar:

ClinVar aggregate classification (germline): Benign/Likely benign. Review status: criteria provided, multiple submitters, no conflicts (2 of 4 stars). 10 submissions from 10 submitters: Benign (1); Likely benign (5). 4 of the submissions do not count toward it. Last evaluated 2026-02-01.

Conditions:
TPM1-related disorder. Also called: TPM1-related condition.
Cardiomyopathy (CMYO). Also called: Cardiomyopathies. Identifiers: Orphanet 167848, MedGen C0878544, MONDO:0004994, HP:0001638. Inheritance: Various modes of inheritance.

Allele frequency attached by ClinVar (database versions not stated): 1000 Genomes Project 30x 0.00047; gnomAD exomes 0.00082 and 0.00050; ESP Exome Variant Server 0.00031; 1000 Genomes Project 0.00060; ExAC 0.00091; TOPMed 0.00014; gnomAD 0.00052.

Submissions (10):

CeGaT Center for Human Genetics Tuebingen
Classification: Likely benign. Last evaluated: 2026-02-01. Review status: criteria provided, single submitter. Criteria: CeGaT Center For Human Genetics Tuebingen Variant Classification Criteria Version 2. Collection method: clinical testing. Allele origin: germline. Affected: yes. Observed: 1 variant allele.
Comment: TPM1: PP2, BS2

Molecular Diagnostic Laboratory for Inherited Cardiovascular Disease, Montreal Heart Institute
Classification: Likely benign. Last evaluated: 2025-07-24. Review status: criteria provided, single submitter. Criteria: ACMG Guidelines, 2015. Collection method: clinical testing. Allele origin: germline. Affected: no.

Blueprint Genetics
Classification: Likely benign. Last evaluated: 2024-11-05. Review status: criteria provided, single submitter. Criteria: ACMG Guidelines, 2015. Collection method: clinical testing. Allele origin: germline.

GeneDx
Classification: Likely benign. Last evaluated: 2019-01-25. Review status: criteria provided, single submitter. Criteria: GeneDx Variant Classification Process June 2021. Collection method: clinical testing. Allele origin: germline. Affected: yes.
Comment: This variant is associated with the following publications: (PMID: 23785128, 28798025, 30847666)

Color Diagnostics, LLC DBA Color Health
Classification: Benign for Cardiomyopathy. Last evaluated: 2018-06-18. Review status: criteria provided, single submitter. Criteria: ACMG Guidelines, 2015. Collection method: clinical testing. Allele origin: germline.

Laboratory for Molecular Medicine, Mass General Brigham Personalized Medicine
Classification: Likely benign. Last evaluated: 2012-09-21. Review status: criteria provided, single submitter. Criteria: LMM Criteria. Collection method: clinical testing. Allele origin: germline. Observed: 2 variant alleles.
Comment: Lys259Glu in exon 10 of TPM1: This variant is not expected to have clinical sign ificance because it has been identified in 1.6% (3/186) of Finnish chromosomes b y the 1000 genomes project (rs144045691). At this frequency it is unlikely disea se causing though a modifying role cannot be excluded. Lys259Glu in exon 10 of TPM1 (rs144045691; allele frequency = 1.6%, 3/186)

PreventionGenetics, part of Exact Sciences
Classification: Benign for TPM1-related condition. Last evaluated: 2019-08-19. Review status: no assertion criteria provided. Collection method: clinical testing. Allele origin: germline. Not counted in ClinVar's aggregate classification.
Comment: This variant is classified as benign based on ACMG/AMP sequence variant interpretation guidelines (Richards et al. 2015 PMID: 25741868, with internal and published modifications).

Clinical Genetics, Academic Medical Center
Classification: Benign. Review status: no assertion criteria provided. Collection method: clinical testing. Allele origin: germline. Affected: yes. Study: VKGL Data-share Consensus. Not counted in ClinVar's aggregate classification.

Genome Diagnostics Laboratory, University Medical Center Utrecht
Classification: Likely benign. Review status: no assertion criteria provided. Collection method: clinical testing. Allele origin: germline. Affected: yes. Study: VKGL Data-share Consensus. Not counted in ClinVar's aggregate classification.

Joint Genome Diagnostic Labs from Nijmegen and Maastricht, Radboudumc and MUMC+
Classification: Likely benign. Review status: no assertion criteria provided. Collection method: clinical testing. Allele origin: germline. Affected: yes. Study: VKGL Data-share Consensus. Not counted in ClinVar's aggregate classification.

NM_001018004.2(TPM1):c.775A>G (p.Lys259Glu)

Gene: TPM1 (tropomyosin 1; plus strand). Cytogenetic location: 15q22.2.
Variant type: single nucleotide variant.
Coding change: c.775A>G on transcript NM_001018004.2; coding-DNA position 775, A replaced by G.
Protein change: p.Lys259Glu; replaces lysine 259 with glutamic acid.
Molecular consequence: missense variant. On other transcripts: 3 prime UTR variant (6), non-coding transcript variant (12).
Genome position (GRCh38, 1-based): chr15:63,071,092, A>G. VCF-style: chr15-63071092-A-G. GRCh37 (hg19) VCF-style: chr15-63363291-A-G.
Other names: p.K259E:AAA>GAA; c.*1149A>G (NM_001407336.1, NM_001407337.1, NM_001407338.1 and 3 more transcripts); c.775A>G, p.Lys259Glu (NM_001018006.2, NM_001018007.2, NM_001018020.2); c.667A>G, p.Lys223Glu (NM_001301289.2, NM_001330344.2); c.901A>G, p.Lys301Glu (NM_001365778.1); c.854A>G, p.Glu285Gly (NM_001407326.1); short protein forms K259E, K223E, K301E, E285G.
Identifiers: ClinVar variation 43687 (VCV000043687.24), dbSNP rs144045691, ClinGen allele CA018562.